The following is an entry in ClinVar:

ClinVar aggregate classification (germline): Pathogenic (1 of 4 stars; one submission).

Submission:

GeneDx
Classification: Pathogenic. Last evaluated: 2017-04-21. Review status: criteria provided, single submitter. Criteria: GeneDx Variant Classification (06012015). Collection method: clinical testing. Allele origin: germline. Affected: yes.
Comment: The G685D missense variant in the COL1A2 gene has not been published as a pathogenic variant, nor has it been reported as a benign variant to our knowledge. G685D occurs in the triple helical domain and replaces the Glycine in the canonical Gly-X-Y repeat. Variants in these Glycines result in poor winding of the collagen triple helix and a less functional protein. The G685D variant was not observed in approximately 6500 individuals of European and African American ancestry in the NHLBI Exome Sequencing Project, indicating it is not a common benign variant in these populations. G685D is a non-conservative amino acid substitution, which is likely to impact secondary protein structure as these residues differ in polarity, charge, size and/or other properties. This substitution occurs at a position that is conserved across species. In silico analysis predicts this variant is probably damaging to the protein structure/function. Missense variants in nearby glycine residues (Gly682Asp, Gly700Cys, Gly700Asp) have been reported in the Human Gene Mutation Database in association with COL1A2-related disorders (Stenson et al., 2014), supporting the functional importance of this region of the protein. Therefore, this variant is pathogenic.

NM_000089.4(COL1A2):c.2054G>A (p.Gly685Asp)

Gene: COL1A2 (collagen type I alpha 2 chain; plus strand). Cytogenetic location: 7q21.3.
Variant type: single nucleotide variant.
Coding change: c.2054G>A on transcript NM_000089.4 (MANE Select); coding-DNA position 2054, G replaced by A.
Protein change: p.Gly685Asp; replaces glycine 685 with aspartic acid.
Molecular consequence: missense variant.
Genome position (GRCh38, 1-based): chr7:94,419,526, G>A. VCF-style: chr7-94419526-G-A. GRCh37 (hg19) VCF-style: chr7-94048838-G-A.
Other names: short protein forms G685D.
Identifiers: ClinVar variation 280567 (VCV000280567.2), dbSNP rs886041749, ClinGen allele CA10603054.